The following is an entry in ClinVar:

NM_001111125.3(IQSEC2):c.21C>G (p.Pro7=)

Gene: IQSEC2 (IQ motif and Sec7 domain ArfGEF 2; minus strand). Cytogenetic location: Xp11.22.
Variant type: single nucleotide variant.
Coding change: c.21C>G on transcript NM_001111125.3 (MANE Select); coding-DNA position 21, C replaced by G.
Protein change: p.Pro7=; no amino-acid change (proline 7 retained).
Molecular consequence: synonymous variant.
Genome position (GRCh38, 1-based): chrX:53,321,103, G>C on the plus strand (C>G on the coding strand, the complement: IQSEC2 is on the minus strand). VCF-style: chrX-53321103-G-C. GRCh37 (hg19) VCF-style: chrX-53350301-G-C.
Identifiers: ClinVar variation 510797 (VCV000510797.31), dbSNP rs1556880357, ClinGen allele CA516688409.

ClinVar aggregate classification (germline): Likely benign. Review status: criteria provided, multiple submitters, no conflicts (2 of 4 stars). 3 submissions from 3 submitters: Likely benign (3). Last evaluated 2024-03-01.

Conditions:
Intellectual developmental disorder, X-linked 1. Also called: MENTAL RETARDATION, X-LINKED 18; MENTAL RETARDATION, X-LINKED 78; Intellectual disability, X-linked 1; Atkin Flaitz Patil Smith syndrome. Identifiers: Orphanet 777, MedGen C2931498, MONDO:0010656, OMIM 309530.

Allele frequency attached by ClinVar (database versions not stated): gnomAD 0.00002; gnomAD exomes below 0.00001 and 0.00001.

Submissions (3):

CeGaT Center for Human Genetics Tuebingen
Classification: Likely benign. Last evaluated: 2024-03-01. Review status: criteria provided, single submitter. Criteria: CeGaT Center For Human Genetics Tuebingen Variant Classification Criteria Version 2. Collection method: clinical testing. Allele origin: germline. Affected: yes. Observed: 1 variant allele.
Comment: IQSEC2: BP4, BP7

Labcorp Genetics (formerly Invitae), Labcorp
Classification: Likely benign for Intellectual developmental disorder, X-linked 1. Last evaluated: 2023-08-27. Review status: criteria provided, single submitter. Criteria: Invitae Variant Classification Sherloc (09022015). Collection method: clinical testing. Allele origin: germline.

GeneDx
Classification: Likely benign. Last evaluated: 2017-07-14. Review status: criteria provided, single submitter. Criteria: GeneDx Variant Classification (06012015). Collection method: clinical testing. Allele origin: germline. Affected: yes.
Comment: This variant is considered likely benign or benign based on one or more of the following criteria: it is a conservative change, it occurs at a poorly conserved position in the protein, it is predicted to be benign by multiple in silico algorithms, and/or has population frequency not consistent with disease.